The following is an entry in ClinVar:

ClinVar aggregate classification (germline): Uncertain significance (1 of 4 stars; one submission).

Allele frequency attached by ClinVar (database versions not stated): TOPMed 0.00001; gnomAD 0.00001.

Submission:

Women's Health and Genetics/Laboratory Corporation of America, LabCorp
Classification: Uncertain significance. Last evaluated: 2016-06-29. Review status: criteria provided, single submitter. Criteria: LabCorp Variant Classification Summary - May 2015. Collection method: clinical testing. Allele origin: germline.
Comment: Variant summary: The HBB c.-83G>T variant involves the alteration of a non-conserved nucleotide in the 5UTR region. One in silico tool predicts a damaging outcome for this variant. 4/5 splice prediction tools predict no significant impact on normal splicing. However, these predictions should be taken with caution as Alamut tools are not meant to analyze UTR regions. The allele frequency in the general population cannot be assessed since there is no coverage of this chromosomal region in the large publically available control cohorts (ExAC, ESP). The variant of interest has not, to our knowledge, been reported in affected individuals via publications and/or by reputable databases/clinical diagnostic laboratories nor was evaluated for functional impact by in vivo/vitro studies. Taken together, this variant is classified as VUS until more evidence becomes available.

NM_000518.4(HBB):c.-83G>T

Genes: HBB (hemoglobin subunit beta; minus strand), LOC107133510 (origin of replication at HBB; plus strand), LOC106099062 (HBB recombination region; plus strand). Cytogenetic location: 11p15.4.
Variant type: single nucleotide variant.
Coding change: c.-83G>T on transcript NM_000518.4; 83 bases upstream of the start codon, G replaced by T.
Genome position (GRCh38, 1-based): chr11:5,227,104, C>A on the plus strand (G>T on the coding strand, the complement: HBB is on the minus strand). VCF-style: chr11-5227104-C-A. GRCh37 (hg19) VCF-style: chr11-5248334-C-A.
Identifiers: ClinVar variation 496006 (VCV000496006.3), dbSNP rs1160543272, ClinGen allele CA597436144.